The following is an entry in ClinVar:

ClinVar aggregate classification (germline): Uncertain significance (1 of 4 stars; one submission).

Submission:

Women's Health and Genetics/Laboratory Corporation of America, LabCorp
Classification: Uncertain significance. Last evaluated: 2025-09-10. Review status: criteria provided, single submitter. Criteria: LabCorp Variant Classification Summary - May 2015. Collection method: clinical testing. Allele origin: germline.
Comment: Variant summary: TTN c.64258G>C (p.Gly21420Arg) results in a non-conservative amino acid change in the encoded protein sequence. Algorithms developed to predict the effect of missense changes on protein structure and function are either unavailable or do not agree on the potential impact of this missense change. The variant was absent in 248052 control chromosomes. The available data on variant occurrences in the general population are insufficient to allow any conclusion about variant significance. To our knowledge, no occurrence of c.64258G>C in individuals affected with TTN-related conditions and no experimental evidence demonstrating its impact on protein function have been reported. No submitters have cited clinical-significance assessments for this variant to ClinVar. Based on the evidence outlined above, the variant was classified as uncertain significance.

NM_001267550.2(TTN):c.71962G>C (p.Gly23988Arg)

Genes: TTN (titin; minus strand), TTN-AS1 (TTN antisense RNA 1; plus strand). Cytogenetic location: 2q31.2.
Variant type: single nucleotide variant.
Coding change: c.71962G>C on transcript NM_001267550.2 (MANE Select); coding-DNA position 71962, G replaced by C.
Protein change: p.Gly23988Arg; replaces glycine 23988 with arginine.
Molecular consequence: missense variant.
Genome position (GRCh38, 1-based): chr2:178,574,170, C>G on the plus strand (G>C on the coding strand, the complement: TTN is on the minus strand). VCF-style: chr2-178574170-C-G. GRCh37 (hg19) VCF-style: chr2-179438897-C-G.
Other names: c.67039G>C, p.Gly22347Arg (NM_001256850.1); c.44767G>C, p.Gly14923Arg (NM_003319.4); c.64258G>C, p.Gly21420Arg (NM_133378.4); c.45142G>C, p.Gly15048Arg (NM_133432.3); c.45343G>C, p.Gly15115Arg (NM_133437.4); short protein forms G14923R, G15048R, G15115R, G21420R, G22347R, G23988R.
Identifiers: ClinVar variation 4535609 (VCV004535609.1).
Genomic context (GRCh38, chr2:178,574,170, plus strand): 5'-TGGCACCTGCAGCATTTTTGGCGATCACACGGAATTCATATGCAGCATCTTCTGTTAGGC[C>G]ACTGACTGTAAATTCATTCTCCAAAATGTTGCTGAAGTTGGCCTTCAGCCACCGTCCATT-3'
Protein context (NP_001254479.2, residues 23978-23998): NILENEFTVS[Gly23988Arg]LTEDAAYEFR